The following is an entry in ClinVar:

NM_003179.3(SYP):c.901G>A (p.Gly301Ser)

Gene: SYP (synaptophysin; minus strand). Cytogenetic location: Xp11.23.
Variant type: single nucleotide variant.
Coding change: c.901G>A on transcript NM_003179.3 (MANE Select); coding-DNA position 901, G replaced by A.
Protein change: p.Gly301Ser; replaces glycine 301 with serine.
Molecular consequence: missense variant.
Genome position (GRCh38, 1-based): chrX:49,191,478, C>T on the plus strand (G>A on the coding strand, the complement: SYP is on the minus strand). VCF-style: chrX-49191478-C-T. GRCh37 (hg19) VCF-style: chrX-49047935-C-T.
Other names: short protein forms G301S.
Identifiers: ClinVar variation 5017021 (VCV005017021.1).

ClinVar aggregate classification (germline): Uncertain significance (1 of 4 stars; one submission).

gnomAD v4.1: 4 of 1,211,568 alleles (0.00033%); highest among the groups gnomAD compares: South Asian, 0.0018%; no homozygotes.

Submission:

GeneDx
Classification: Uncertain significance. Last evaluated: 2026-03-20. Review status: criteria provided, single submitter. Criteria: GeneDx Variant Classification Process June 2021. Collection method: clinical testing. Allele origin: germline.
Comment: Not observed at significant frequency in large population cohorts (gnomAD); In silico analysis suggests that this missense variant does not alter protein structure/function; Has not been previously published as pathogenic or benign to our knowledge